The following is an entry in ClinVar:

NM_000350.3(ABCA4):c.6328T>C (p.Trp2110Arg)

Gene: ABCA4 (ATP binding cassette subfamily A member 4; minus strand). Cytogenetic location: 1p22.1.
Variant type: single nucleotide variant.
Coding change: c.6328T>C on transcript NM_000350.3 (MANE Select); coding-DNA position 6328, T replaced by C.
Protein change: p.Trp2110Arg; replaces tryptophan 2110 with arginine.
Molecular consequence: missense variant.
Genome position (GRCh38, 1-based): chr1:94,001,060, A>G on the plus strand (T>C on the coding strand, the complement: ABCA4 is on the minus strand). VCF-style: chr1-94001060-A-G. GRCh37 (hg19) VCF-style: chr1-94466616-A-G.
Other names: c.6106T>C, p.Trp2036Arg (NM_001425324.1); short protein forms W2110R, W2036R.
Identifiers: ClinVar variation 2442572 (VCV002442572.3), dbSNP rs2523624821, ClinGen allele CA341277546.
Genomic context (GRCh38, chr1:94,001,060, plus strand): 5'-GCCTGTGGGATGTGAGGACCACAGCCCTCCCTTCTCTGATGATGCTCACGATGACGTTCC[A>G]CAGCATGCGGCGTGCCTGGGGGTCCATCCCTGTGGTGGGCTCATCCTGGGGGGTGGAGAG-3'
Protein context (NP_000341.2, residues 2100-2120): GMDPQARRML[Trp2110Arg]NVIVSIIREG

ClinVar aggregate classification (germline): Likely pathogenic. Review status: criteria provided, multiple submitters, no conflicts (2 of 4 stars). 3 submissions from 3 submitters: Likely pathogenic (3). Last evaluated 2025-12-17.

Conditions:
ABCA4-related disorder. Also called: ABCA4-related condition; ABCA4-related disorders. Identifiers: MedGen CN239167.
Retinal disorder. Also called: Retinal disorders; Retinopathy; Retinopathies; Retinal Diseases. Identifiers: MedGen C0035309, MONDO:0005283, HP:0000488.

Allele frequency attached by ClinVar (database versions not stated): gnomAD exomes below 0.00001.
gnomAD v4.1: 6 of 1,614,088 alleles (0.00037%); highest among the groups gnomAD compares: Non-Finnish European, 0.00051%; no homozygotes.

Submissions (3):

Genetics Laboratory, Great Ormond Street Hospital NHS Foundation Trust, North Thames Genomic Laboratory Hub
Classification: Likely pathogenic for Retinal disorders. Last evaluated: 2025-12-17. Review status: criteria provided, single submitter. Criteria: ACGS Best Practice Guidelines for Variant Classification in Rare Disease 2024 v1.2. Collection method: clinical testing. Allele origin: germline. Affected: yes.
Comment: PM2_moderate, PP3_supporting, PM3_strong

GeneDx
Classification: Likely pathogenic. Last evaluated: 2022-09-02. Review status: criteria provided, single submitter. Criteria: GeneDx Variant Classification Process June 2021. Collection method: clinical testing. Allele origin: germline. Affected: yes.
Comment: Not observed at significant frequency in large population cohorts (gnomAD); In silico analysis supports that this missense variant has a deleterious effect on protein structure/function; This variant is associated with the following publications: (PMID: 32845068)

Blueprint Genetics
Classification: Likely pathogenic for ABCA4-related disorders. Last evaluated: 2022-03-25. Review status: criteria provided, single submitter. Criteria: ACMG Guidelines, 2015. Collection method: clinical testing. Allele origin: germline. Affected: yes. Observed: 1 variant allele.